The following is an entry in ClinVar:

NM_004484.4(GPC3):c.569C>T (p.Ser190Leu)

Gene: GPC3 (glypican 3; minus strand). Cytogenetic location: Xq26.2.
Variant type: single nucleotide variant.
Coding change: c.569C>T on transcript NM_004484.4 (MANE Select); coding-DNA position 569, C replaced by T.
Protein change: p.Ser190Leu; replaces serine 190 with leucine.
Molecular consequence: missense variant.
Genome position (GRCh38, 1-based): chrX:133,753,945, G>A on the plus strand (C>T on the coding strand, the complement: GPC3 is on the minus strand). VCF-style: chrX-133753945-G-A. GRCh37 (hg19) VCF-style: chrX-132887972-G-A.
Other names: c.569C>T, p.Ser190Leu (NM_001164617.2); c.521C>T, p.Ser174Leu (NM_001164618.2); c.407C>T, p.Ser136Leu (NM_001164619.2); short protein forms S190L, S136L, S174L.
Identifiers: ClinVar variation 543085 (VCV000543085.13), dbSNP rs780667597, ClinGen allele CA10520821.

ClinVar aggregate classification (germline): Conflicting classifications of pathogenicity. Review status: criteria provided, conflicting classifications (1 of 4 stars). 2 submissions from 2 submitters: Uncertain significance (1); Likely benign (1). Last evaluated 2025-04-17.

Conditions:
GPC3-related disorder. Also called: GPC3-related condition.
Wilms tumor 1 (WT1). Also called: Wilms tumor, somatic. Identifiers: Orphanet 654, MedGen CN033288, MONDO:0008679, OMIM 194070.

Allele frequency attached by ClinVar (database versions not stated): gnomAD exomes below 0.00001 and 0.00002; ExAC 0.00001; gnomAD 0.00002 and 0.00003; TOPMed 0.00002.
gnomAD v4.1: 4 of 1,209,056 alleles (0.00033%); highest among the groups gnomAD compares: African/African-American, 0.0052%; no homozygotes.

Submissions (2):

Labcorp Genetics (formerly Invitae), Labcorp
Classification: Likely benign for Wilms tumor 1. Last evaluated: 2025-04-17. Review status: criteria provided, single submitter. Criteria: Invitae Variant Classification Sherloc (09022015). Collection method: clinical testing. Allele origin: germline.

PreventionGenetics, part of Exact Sciences
Classification: Uncertain significance for GPC3-related condition. Last evaluated: 2023-08-11. Review status: criteria provided, single submitter. Criteria: ACMG Guidelines, 2015. Collection method: clinical testing. Allele origin: germline.
Comment: The GPC3 c.569C>T variant is predicted to result in the amino acid substitution p.Ser190Leu. To our knowledge, this variant has not been reported in the literature. This variant is reported in 0.023% of alleles in individuals of African descent in gnomAD, including three hemizygous individuals and is reported by one outside laboratory as likely benign in ClinVar. Although we suspect that this variant may be benign, at this time, the clinical significance of this variant is uncertain due to the absence of conclusive functional and genetic evidence.